The following is an entry in ClinVar:

NM_020207.7(ERCC6L2):c.1760G>C (p.Gly587Ala)

Gene: ERCC6L2 (ERCC excision repair 6 like 2; plus strand). Cytogenetic location: 9q22.32.
Variant type: single nucleotide variant.
Coding change: c.1760G>C on transcript NM_020207.7 (MANE Select); coding-DNA position 1760, G replaced by C.
Protein change: p.Gly587Ala; replaces glycine 587 with alanine.
Molecular consequence: missense variant. On other transcripts: non-coding transcript variant (1).
Genome position (GRCh38, 1-based): chr9:95,941,462, G>C. VCF-style: chr9-95941462-G-C. GRCh37 (hg19) VCF-style: chr9-98703744-G-C.
Other names: c.1760G>C, p.Gly587Ala (NM_001010895.4, NM_001375291.1, NM_001375292.1 and 2 more transcripts); short protein forms G587A.
Identifiers: ClinVar variation 3845917 (VCV003845917.1).

ClinVar aggregate classification (germline): Uncertain significance (1 of 4 stars; one submission).

Conditions:
Inborn genetic diseases. Identifiers: MedGen C0950123, MeSH D030342.

Submission:

Ambry Genetics
Classification: Uncertain significance for Inborn genetic diseases. Last evaluated: 2025-02-05. Review status: criteria provided, single submitter. Criteria: Ambry Variant Classification Scheme 2023. Collection method: clinical testing. Allele origin: germline.
Comment: The p.G587A variant (also known as c.1760G>C), located in coding exon 12 of the ERCC6L2 gene, results from a G to C substitution at nucleotide position 1760. The glycine at codon 587 is replaced by alanine, an amino acid with similar properties. This amino acid position is conserved. In addition, this alteration is predicted to be deleterious by in silico analysis. Based on the available evidence, the clinical significance of this variant remains unclear.